The following is an entry in ClinVar:

NM_014639.4(SKIC3):c.374T>C (p.Leu125Pro)

Gene: SKIC3 (SKI3 subunit of superkiller complex; minus strand). Cytogenetic location: 5q15.
Variant type: single nucleotide variant.
Coding change: c.374T>C on transcript NM_014639.4 (MANE Select); coding-DNA position 374, T replaced by C.
Protein change: p.Leu125Pro; replaces leucine 125 with proline.
Molecular consequence: missense variant.
Genome position (GRCh38, 1-based): chr5:95,541,333, A>G on the plus strand (T>C on the coding strand, the complement: SKIC3 is on the minus strand). VCF-style: chr5-95541333-A-G. GRCh37 (hg19) VCF-style: chr5-94877037-A-G.
Other names: short protein forms L125P.
Identifiers: ClinVar variation 1393570 (VCV001393570.5), dbSNP rs2112372141, ClinGen allele CA360443896.

ClinVar aggregate classification (germline): Uncertain significance (1 of 4 stars; one submission).

Allele frequency attached by ClinVar (database versions not stated): gnomAD exomes below 0.00001.
gnomAD v4.1: 2 of 1,613,862 alleles (0.00012%); highest among the groups gnomAD compares: South Asian, 0.0022%; no homozygotes.

Submission:

Labcorp Genetics (formerly Invitae), Labcorp
Classification: Uncertain significance. Last evaluated: 2021-08-31. Review status: criteria provided, single submitter. Criteria: Invitae Variant Classification Sherloc (09022015). Collection method: clinical testing. Allele origin: germline.
Comment: This sequence change replaces leucine with proline at codon 125 of the TTC37 protein (p.Leu125Pro). The leucine residue is weakly conserved and there is a moderate physicochemical difference between leucine and proline. This variant is not present in population databases (ExAC no frequency). This variant has not been reported in the literature in individuals affected with TTC37-related conditions. Algorithms developed to predict the effect of missense changes on protein structure and function are either unavailable or do not agree on the potential impact of this missense change (SIFT: "Deleterious"; PolyPhen-2: "Possibly Damaging"; Align-GVGD: "Class C0"). In summary, the available evidence is currently insufficient to determine the role of this variant in disease. Therefore, it has been classified as a Variant of Uncertain Significance.